The following is an entry in ClinVar:

GRCh37/hg19 2p21(chr2:44507834-44508700)

Gene: SLC3A1 (solute carrier family 3 member 1; plus strand). Cytogenetic location: 2p21.
Variant type: copy number loss.
Identifiers: ClinVar variation 1179158 (VCV001179158.2).

ClinVar aggregate classification (germline): Pathogenic (0 of 4 stars; one submission).

Conditions:
Cystinuria (CSNU). Also called: CYSTINURIA, TYPE I; CYSTINURIA, TYPE II; CYSTINURIA, TYPE III; Cystinuria, non-type I. Identifiers: Orphanet 214, MedGen C0010691, MONDO:0009067, OMIM 220100, HP:0003131.

Submission:

Fulgent Genetics
Classification: Pathogenic for Cystinuria. Review status: no assertion criteria provided. Collection method: clinical testing. Allele origin: unknown.
Comment: This variant has been detected in individual(s) who were sent for testing of Renasight - kidney gene panel.